The following is an entry in ClinVar:

ClinVar aggregate classification (germline): Benign. Review status: criteria provided, multiple submitters, no conflicts (2 of 4 stars). 3 submissions from 2 submitters: Benign (3). Last evaluated 2021-05-14.

Conditions:
Charcot-Marie-Tooth disease type 4C (CMT4C). Also called: CHARCOT-MARIE-TOOTH DISEASE, DEMYELINATING, AUTOSOMAL RECESSIVE, TYPE 4C; CMT 4C; Charcot-Marie-Tooth Neuropathy Type 4C (CMT4C); CHARCOT-MARIE-TOOTH DISEASE, DEMYELINATING, TYPE 4C; SH3TC2-Related Hereditary Motor and Sensory Neuropathy. Identifiers: Orphanet 99949, MedGen C1866636, MONDO:0011113, OMIM 601596.
Susceptibility to mononeuropathy of the median nerve, mild. Also called: CARPAL TUNNEL SYNDROME, SUSCEPTIBILITY TO. Identifiers: MedGen C3150596, MONDO:0013237, OMIM 613353.

Allele frequency attached by ClinVar (database versions not stated): gnomAD 0.77381; TOPMed 0.77403; 1000 Genomes Project 30x 0.79716; 1000 Genomes Project 0.79812.
gnomAD v4.1: 117,435 of 152,158 alleles (77%); highest among the groups gnomAD compares: East Asian, 97%; 45,804 homozygotes.

Submissions (3):

GeneDx
Classification: Benign. Last evaluated: 2021-05-14. Review status: criteria provided, single submitter. Criteria: GeneDx Variant Classification Process June 2021. Collection method: clinical testing. Allele origin: germline. Affected: yes.

Illumina Laboratory Services, Illumina
Classification: Benign for Charcot-Marie-Tooth disease type 4C. Last evaluated: 2018-01-13. Review status: criteria provided, single submitter. Criteria: ICSL Variant Classification Criteria 13 December 2019. Collection method: clinical testing. Allele origin: germline.
Comment: This variant was observed in the ICSL laboratory as part of a predisposition screen in an ostensibly healthy population. It had not been previously curated by ICSL or reported in the Human Gene Mutation Database (HGMD: prior to June 1st, 2018), and was therefore a candidate for classification through an automated scoring system. Utilizing variant allele frequency, disease prevalence and penetrance estimates, and inheritance mode, an automated score was calculated to assess if this variant is too frequent to cause the disease. Based on the score and internal cut-off values, a variant classified as benign is not then subjected to further curation. The score for this variant resulted in a classification of benign for this disease.

Illumina Laboratory Services, Illumina
Classification: Benign for Susceptibility to mononeuropathy of the median nerve, mild. Last evaluated: 2018-01-13. Review status: criteria provided, single submitter. Criteria: ICSL Variant Classification Criteria 13 December 2019. Collection method: clinical testing. Allele origin: germline.
Comment: the same text as in the submission from Illumina Laboratory Services, Illumina above.

NM_024577.4(SH3TC2):c.*15823T>C

Gene: SH3TC2 (SH3 domain and tetratricopeptide repeats 2; minus strand). Cytogenetic location: 5q32.
Variant type: single nucleotide variant.
Coding change: c.*15823T>C on transcript NM_024577.4 (MANE Select); 15823 bases downstream of the stop codon, T replaced by C.
Molecular consequence: 3 prime UTR variant.
Genome position (GRCh38, 1-based): chr5:148,988,888, A>G on the plus strand (T>C on the coding strand, the complement: SH3TC2 is on the minus strand). VCF-style: chr5-148988888-A-G. GRCh37 (hg19) VCF-style: chr5-148368451-A-G.
Identifiers: ClinVar variation 351645 (VCV000351645.8), dbSNP rs4562031, ClinGen allele CA10620592.